The following is an entry in ClinVar:

NM_017617.5(NOTCH1):c.3461G>T (p.Cys1154Phe)

Gene: NOTCH1 (notch receptor 1; minus strand). Cytogenetic location: 9q34.3.
Variant type: single nucleotide variant.
Coding change: c.3461G>T on transcript NM_017617.5 (MANE Select); coding-DNA position 3461, G replaced by T.
Protein change: p.Cys1154Phe; replaces cysteine 1154 with phenylalanine.
Molecular consequence: missense variant.
Genome position (GRCh38, 1-based): chr9:136,508,004, C>A on the plus strand (G>T on the coding strand, the complement: NOTCH1 is on the minus strand). VCF-style: chr9-136508004-C-A. GRCh37 (hg19) VCF-style: chr9-139402456-C-A.
Other names: short protein forms C1154F.
Identifiers: ClinVar variation 4861119 (VCV004861119.1).

ClinVar aggregate classification (germline): Uncertain significance (1 of 4 stars; one submission).

Conditions:
Familial thoracic aortic aneurysm and aortic dissection (TAAD). Also called: Thoracic aortic aneurysms and dissections. Identifiers: Orphanet 91387, MedGen C4707243, MONDO:0019625.

Submission:

Ambry Genetics
Classification: Uncertain significance for Familial thoracic aortic aneurysm and aortic dissection. Last evaluated: 2026-05-14. Review status: criteria provided, single submitter. Criteria: Ambry Variant Classification Scheme 2023. Collection method: clinical testing. Allele origin: germline.
Comment: The p.C1154F variant (also known as c.3461G>T), located in coding exon 21 of the NOTCH1 gene, results from a G to T substitution at nucleotide position 3461. The cysteine at codon 1154 is replaced by phenylalanine, an amino acid with highly dissimilar properties. This amino acid position is conserved. In addition, this alteration is predicted to be deleterious by in silico analysis. Based on the available evidence, the clinical significance of this variant remains unclear.